The following is an entry in ClinVar:

ClinVar aggregate classification (germline): Uncertain significance (1 of 4 stars; one submission).

Conditions:
Wilms tumor 1 (WT1). Also called: Wilms tumor, somatic. Identifiers: Orphanet 654, MedGen CN033288, MONDO:0008679, OMIM 194070.

Submission:

Labcorp Genetics (formerly Invitae), Labcorp
Classification: Uncertain significance for Wilms tumor 1. Last evaluated: 2022-01-11. Review status: criteria provided, single submitter. Criteria: Invitae Variant Classification Sherloc (09022015). Collection method: clinical testing. Allele origin: germline.
Comment: In summary, the available evidence is currently insufficient to determine the role of this variant in disease. Therefore, it has been classified as a Variant of Uncertain Significance. Algorithms developed to predict the effect of missense changes on protein structure and function are either unavailable or do not agree on the potential impact of this missense change (SIFT: "Deleterious"; PolyPhen-2: "Benign"; Align-GVGD: "Class C0"). This variant has not been reported in the literature in individuals affected with GPC3-related conditions. This variant is not present in population databases (gnomAD no frequency). This sequence change replaces glycine, which is neutral and non-polar, with aspartic acid, which is acidic and polar, at codon 454 of the GPC3 protein (p.Gly454Asp).

NM_004484.4(GPC3):c.1361G>A (p.Gly454Asp)

Gene: GPC3 (glypican 3; minus strand). Cytogenetic location: Xq26.2.
Variant type: single nucleotide variant.
Coding change: c.1361G>A on transcript NM_004484.4 (MANE Select); coding-DNA position 1361, G replaced by A.
Protein change: p.Gly454Asp; replaces glycine 454 with aspartic acid.
Molecular consequence: missense variant.
Genome position (GRCh38, 1-based): chrX:133,661,782, C>T on the plus strand (G>A on the coding strand, the complement: GPC3 is on the minus strand). VCF-style: chrX-133661782-C-T. GRCh37 (hg19) VCF-style: chrX-132795810-C-T.
Other names: c.1430G>A, p.Gly477Asp (NM_001164617.2); c.1313G>A, p.Gly438Asp (NM_001164618.2); c.1199G>A, p.Gly400Asp (NM_001164619.2); short protein forms G400D, G454D, G438D, G477D.
Identifiers: ClinVar variation 2142578 (VCV002142578.4), dbSNP rs918708682, ClinGen allele CA335975133.